The following is an entry in ClinVar:

ClinVar aggregate classification (germline): Uncertain significance (1 of 4 stars; one submission).

Allele frequency attached by ClinVar (database versions not stated): ExAC 0.00003; gnomAD exomes 0.00004.

Submission:

Labcorp Genetics (formerly Invitae), Labcorp
Classification: Uncertain significance. Last evaluated: 2024-09-19. Review status: criteria provided, single submitter. Criteria: Invitae Variant Classification Sherloc (09022015). Collection method: clinical testing. Allele origin: germline.
Comment: This sequence change replaces arginine, which is basic and polar, with tryptophan, which is neutral and slightly polar, at codon 207 of the ICOSLG protein (p.Arg207Trp). The frequency data for this variant in the population databases is considered unreliable, as metrics indicate poor data quality at this position in the gnomAD database. This variant has not been reported in the literature in individuals affected with ICOSLG-related conditions. ClinVar contains an entry for this variant (Variation ID: 1037804). An algorithm developed to predict the effect of missense changes on protein structure and function outputs the following: PolyPhen-2: "Benign". The tryptophan amino acid residue is found in multiple mammalian species, which suggests that this missense change does not adversely affect protein function. In summary, the available evidence is currently insufficient to determine the role of this variant in disease. Therefore, it has been classified as a Variant of Uncertain Significance.

NM_015259.6(ICOSLG):c.619C>T (p.Arg207Trp)

Gene: ICOSLG (inducible T cell costimulator ligand; minus strand). Cytogenetic location: 21q22.3.
Variant type: single nucleotide variant.
Coding change: c.619C>T on transcript NM_015259.6 (MANE Select); coding-DNA position 619, C replaced by T.
Protein change: p.Arg207Trp; replaces arginine 207 with tryptophan.
Molecular consequence: missense variant.
Genome position (GRCh38, 1-based): chr21:44,235,350, G>A on the plus strand (C>T on the coding strand, the complement: ICOSLG is on the minus strand). VCF-style: chr21-44235350-G-A. GRCh37 (hg19) VCF-style: chr21-45655233-G-A.
Other names: c.619C>T, p.Arg207Trp (NM_001283050.2); c.268C>T, p.Arg90Trp (NM_001283051.2); c.364C>T, p.Arg122Trp (NM_001283052.2); c.538C>T, p.Arg180Trp (NM_001365759.2); short protein forms R180W, R207W, R122W, R90W.
Identifiers: ClinVar variation 1037804 (VCV001037804.8), dbSNP rs771547213, ClinGen allele CA321497113.
Genomic context (GRCh38, chr21:44,235,350, plus strand): 5'-TCAGGTTCTGCTGCAGAAGCACGTTCTCTATGCAGCAGCCAATGTTCACGCTGGGGGTCC[G>A]TGCGATCCTCAGCACGCTGACCACGTCATACAAGCCCCGCATGTTCAAGAAGACGGTGTC-3'
Protein context (NP_056074.1, residues 197-217): YDVVSVLRIA[Arg207Trp]TPSVNIGCCI